The following is an entry in ClinVar:

NM_000548.5(TSC2):c.2145G>A (p.Glu715=)

Gene: TSC2 (TSC complex subunit 2; plus strand). Cytogenetic location: 16p13.3.
Variant type: single nucleotide variant.
Coding change: c.2145G>A on transcript NM_000548.5 (MANE Select); coding-DNA position 2145, G replaced by A.
Protein change: p.Glu715=; no amino-acid change (glutamic acid 715 retained).
Molecular consequence: synonymous variant.
Genome position (GRCh38, 1-based): chr16:2,072,288, G>A. VCF-style: chr16-2072288-G-A. GRCh37 (hg19) VCF-style: chr16-2122289-G-A.
Other names: c.2145G>A, p.Glu715= (NM_001077183.3, NM_001114382.3, NM_001363528.2 and 3 more transcripts); c.2034G>A, p.Glu678= (NM_001318827.2); c.1998G>A, p.Glu666= (NM_001318829.2); c.1545G>A, p.Glu515= (NM_001318831.2); c.2178G>A, p.Glu726= (NM_001318832.2).
Identifiers: ClinVar variation 779038 (VCV000779038.11), dbSNP rs1596347274, ClinGen allele CA493042678.

ClinVar aggregate classification (germline): Benign/Likely benign. Review status: criteria provided, multiple submitters, no conflicts (2 of 4 stars). 3 submissions from 3 submitters: Benign (1); Likely benign (2). Last evaluated 2026-02-08.

Conditions:
Tuberous sclerosis 2 (TSC2). Identifiers: Orphanet 805, MedGen C1860707, MONDO:0013199, OMIM 613254.
Hereditary cancer-predisposing syndrome. Also called: Tumor predisposition; Neoplastic Syndromes, Hereditary; Hereditary Cancer Syndrome; Hereditary neoplastic syndrome. Identifiers: Orphanet 140162, MedGen C0027672, MeSH D009386, MONDO:0015356.

Submissions (3):

Ambry Genetics
Classification: Likely benign for Hereditary cancer-predisposing syndrome. Last evaluated: 2026-02-08. Review status: criteria provided, single submitter. Criteria: Ambry Variant Classification Scheme 2023. Collection method: clinical testing. Allele origin: germline.

Myriad Genetics, Inc.
Classification: Benign for Tuberous sclerosis 2. Last evaluated: 2025-05-19. Review status: criteria provided, single submitter. Criteria: Myriad Autosomal Dominant, Autosomal Recessive and X-Linked Classification Criteria (2023). Collection method: clinical testing. Allele origin: unknown.
Comment: This variant is considered benign. This variant is a silent/synonymous amino acid change and it is not expected to impact splicing.

Labcorp Genetics (formerly Invitae), Labcorp
Classification: Likely benign for Tuberous sclerosis 2. Last evaluated: 2023-07-07. Review status: criteria provided, single submitter. Criteria: Invitae Variant Classification Sherloc (09022015). Collection method: clinical testing. Allele origin: germline.